The following is an entry in ClinVar:

NM_000179.3(MSH6):c.2476C>T (p.His826Tyr)

Gene: MSH6 (mutS homolog 6; plus strand). Cytogenetic location: 2p16.3.
Variant type: single nucleotide variant.
Coding change: c.2476C>T on transcript NM_000179.3 (MANE Select); coding-DNA position 2476, C replaced by T.
Protein change: p.His826Tyr; replaces histidine 826 with tyrosine.
Molecular consequence: missense variant.
Genome position (GRCh38, 1-based): chr2:47,800,459, C>T. VCF-style: chr2-47800459-C-T. GRCh37 (hg19) VCF-style: chr2-48027598-C-T.
Other names: c.2086C>T, p.His696Tyr (NM_001281492.2); c.1570C>T, p.His524Tyr (NM_001281493.2, NM_001281494.2); short protein forms H826Y, H524Y, H696Y.
Identifiers: ClinVar variation 923851 (VCV000923851.15), dbSNP rs765891603, ClinGen allele CA346754150.

ClinVar aggregate classification (germline): Uncertain significance. Review status: criteria provided, multiple submitters, no conflicts (2 of 4 stars). 5 submissions from 5 submitters: Uncertain significance (5). Last evaluated 2026-08-21.

Conditions:
Hereditary nonpolyposis colorectal neoplasms. Identifiers: MedGen C0009405, MeSH D003123.
Hereditary cancer-predisposing syndrome. Also called: Neoplastic Syndromes, Hereditary; Hereditary Cancer Syndrome; Tumor predisposition; Hereditary neoplastic syndrome. Identifiers: Orphanet 140162, MedGen C0027672, MeSH D009386, MONDO:0015356.

Submissions (5):

Ambry Genetics
Classification: Uncertain significance for Hereditary cancer-predisposing syndrome. Last evaluated: 2026-08-21. Review status: criteria provided, single submitter. Criteria: Ambry Variant Classification Scheme 2023. Collection method: clinical testing. Allele origin: germline.
Comment: The p.H826Y variant (also known as c.2476C>T), located in coding exon 4 of the MSH6 gene, results from a C to T substitution at nucleotide position 2476. The histidine at codon 826 is replaced by tyrosine, an amino acid with similar properties. This amino acid position is conserved. In addition, this alteration is predicted to be deleterious by in silico analysis. Based on the available evidence, the clinical significance of this variant remains unclear.

Labcorp Genetics (formerly Invitae), Labcorp
Classification: Uncertain significance for Hereditary nonpolyposis colorectal neoplasms. Last evaluated: 2023-03-02. Review status: criteria provided, single submitter. Criteria: Invitae Variant Classification Sherloc (09022015). Collection method: clinical testing. Allele origin: germline.
Comment: This sequence change replaces histidine, which is basic and polar, with tyrosine, which is neutral and polar, at codon 826 of the MSH6 protein (p.His826Tyr). This variant is not present in population databases (gnomAD no frequency). This variant has not been reported in the literature in individuals affected with MSH6-related conditions. ClinVar contains an entry for this variant (Variation ID: 923851). Advanced modeling of protein sequence and biophysical properties (such as structural, functional, and spatial information, amino acid conservation, physicochemical variation, residue mobility, and thermodynamic stability) has been performed at Invitae for this missense variant, however the output from this modeling did not meet the statistical confidence thresholds required to predict the impact of this variant on MSH6 protein function. In summary, the available evidence is currently insufficient to determine the role of this variant in disease. Therefore, it has been classified as a Variant of Uncertain Significance.

Sema4
Classification: Uncertain significance for Hereditary cancer-predisposing syndrome. Last evaluated: 2022-01-15. Review status: criteria provided, single submitter. Criteria: Sema4 Curation Guidelines. Collection method: curation. Allele origin: germline.
Comment: The MSH6 c.2476C>T (p.H826Y) variant has not been reported in the literature to our knowledge. It was not observed in the large and broad cohorts of the Genome Aggregation Database (PMID: 32461654), but has been reported in ClinVar (Variation ID 923851). In silico tools suggest the impact of the variant on protein function is deleterious, though these predictions have not been confirmed by functional studies. The evidence is insufficient to meet ACMG/AMP criteria for classifying the variant as benign or pathogenic. Thus, the clinical significance of this variant is currently uncertain.

GeneDx
Classification: Uncertain significance. Last evaluated: 2021-05-11. Review status: criteria provided, single submitter. Criteria: GeneDx Variant Classification Process June 2021. Collection method: clinical testing. Allele origin: germline. Affected: yes.
Comment: Not observed in large population cohorts (Lek 2016); In silico analysis supports that this missense variant has a deleterious effect on protein structure/function; Has not been previously published as pathogenic or benign to our knowledge

Color Diagnostics, LLC DBA Color Health
Classification: Uncertain significance for Hereditary cancer-predisposing syndrome. Last evaluated: 2019-02-07. Review status: criteria provided, single submitter. Criteria: ACMG Guidelines, 2015. Collection method: clinical testing. Allele origin: germline.